The following is an entry in ClinVar:

ClinVar aggregate classification (germline): Uncertain significance. Review status: criteria provided, multiple submitters, no conflicts (2 of 4 stars). 2 submissions from 2 submitters: Uncertain significance (2). Last evaluated 2022-08-03.

Conditions:
Inborn genetic diseases. Identifiers: MedGen C0950123, MeSH D030342.

Allele frequency attached by ClinVar (database versions not stated): gnomAD 0.00005; gnomAD exomes 0.00006 and 0.00007; TOPMed 0.00006; ExAC 0.00007; ESP Exome Variant Server 0.00008; 1000 Genomes Project 0.00020; 1000 Genomes Project 30x 0.00031.
gnomAD v4.1: 108 of 1,613,498 alleles (0.0067%); highest among the groups gnomAD compares: Admixed American, 0.013%; no homozygotes.

Submissions (2):

Labcorp Genetics (formerly Invitae), Labcorp
Classification: Uncertain significance. Last evaluated: 2022-08-03. Review status: criteria provided, single submitter. Criteria: Invitae Variant Classification Sherloc (09022015). Collection method: clinical testing. Allele origin: germline.
Comment: This sequence change replaces proline, which is neutral and non-polar, with serine, which is neutral and polar, at codon 469 of the C8B protein (p.Pro469Ser). This variant is present in population databases (rs142870813, gnomAD 0.01%). This variant has not been reported in the literature in individuals affected with C8B-related conditions. ClinVar contains an entry for this variant (Variation ID: 1376538). Algorithms developed to predict the effect of missense changes on protein structure and function are either unavailable or do not agree on the potential impact of this missense change (SIFT: "Deleterious"; PolyPhen-2: "Probably Damaging"; Align-GVGD: "Class C0"). In summary, the available evidence is currently insufficient to determine the role of this variant in disease. Therefore, it has been classified as a Variant of Uncertain Significance.

Ambry Genetics
Classification: Uncertain significance for Inborn genetic diseases. Last evaluated: 2021-12-03. Review status: criteria provided, single submitter. Criteria: Ambry Variant Classification Scheme 2023. Collection method: clinical testing. Allele origin: germline.

NM_000066.4(C8B):c.1405C>T (p.Pro469Ser)

Gene: C8B (complement C8 beta chain; minus strand). Cytogenetic location: 1p32.2.
Variant type: single nucleotide variant.
Coding change: c.1405C>T on transcript NM_000066.4 (MANE Select); coding-DNA position 1405, C replaced by T.
Protein change: p.Pro469Ser; replaces proline 469 with serine.
Molecular consequence: missense variant.
Genome position (GRCh38, 1-based): chr1:56,933,482, G>A on the plus strand (C>T on the coding strand, the complement: C8B is on the minus strand). VCF-style: chr1-56933482-G-A. GRCh37 (hg19) VCF-style: chr1-57399155-G-A.
Other names: c.1249C>T, p.Pro417Ser (NM_001278543.2); c.1219C>T, p.Pro407Ser (NM_001278544.2); c.1405C>T (NM_000066.2); short protein forms P417S, P469S, P407S.
Identifiers: ClinVar variation 1376538 (VCV001376538.4), dbSNP rs142870813, ClinGen allele CA875636.
Genomic context (GRCh38, chr1:56,933,482, plus strand): 5'-TGTTCTGCCTCACTGTGCTGGAATAGGCAAAATCTGTGGCTGTCACTAGTTCATACAGAG[G>A]CTCCACCTGGAAAGGGAAAAGGGCATTTATTTCAAGAGAAAAACATTTATCAAGTAGAAG-3'
Protein context (NP_000057.3, residues 459-479): NPAIIKVKVE[Pro469Ser]LYELVTATDF